The following is an entry in ClinVar:

ClinVar aggregate classification (germline): Likely pathogenic (1 of 4 stars; one submission).

Allele frequency attached by ClinVar (database versions not stated): gnomAD 0.00001; TOPMed below 0.00001.
gnomAD v4.1: 2 of 1,610,996 alleles (0.00012%); highest among the groups gnomAD compares: African/African-American, 0.0013%; no homozygotes.

Submission:

GeneDx
Classification: Likely pathogenic. Last evaluated: 2017-03-17. Review status: criteria provided, single submitter. Criteria: GeneDx Variant Classification (06012015). Collection method: clinical testing. Allele origin: germline. Affected: yes.
Comment: The V27M variant in the QDPR gene has not been published as a pathogenic variant, nor has it been reported as a benign variant to our knowledge. The V27M variant is not observed in large population cohorts (Exome Variant Server). The V27M variant is a conservative amino acid substitution, which is not likely to impact secondary protein structure as these residues share similar properties. This substitution occurs at a position that is conserved across species, and in silico analysis predicts this variant is probably damaging to the protein structure/function. In summary, based on the currently available information, it is unclear whether this variant is a pathogenic variant or a rare benign variant.

NM_000320.3(QDPR):c.79G>A (p.Val27Met)

Genes: QDPR (quinoid dihydropteridine reductase; minus strand), LOC129992304 (ATAC-STARR-seq lymphoblastoid silent region 15310; plus strand). Cytogenetic location: 4p15.32.
Variant type: single nucleotide variant.
Coding change: c.79G>A on transcript NM_000320.3 (MANE Select); coding-DNA position 79, G replaced by A.
Protein change: p.Val27Met; replaces valine 27 with methionine.
Molecular consequence: missense variant. On other transcripts: non-coding transcript variant (1).
Genome position (GRCh38, 1-based): chr4:17,511,976, C>T on the plus strand (G>A on the coding strand, the complement: QDPR is on the minus strand). VCF-style: chr4-17511976-C-T. GRCh37 (hg19) VCF-style: chr4-17513599-C-T.
Other names: c.79G>A, p.Val27Met (NM_001306140.2); short protein forms V27M.
Identifiers: ClinVar variation 449241 (VCV000449241.2), dbSNP rs762772317, ClinGen allele CA356454332.